The following is an entry in ClinVar:

NM_001005242.3(PKP2):c.1447del (p.Thr482_Leu483insTer)

Gene: PKP2 (plakophilin 2; minus strand). Cytogenetic location: 12p11.21.
Variant type: Deletion.
Coding change: c.1447del on transcript NM_001005242.3 (MANE Select); coding-DNA position 1447, one base deleted (C; older notation c.1447delC).
Protein change: p.Thr482_Leu483insTer.
Molecular consequence: nonsense.
Genome position (GRCh38, 1-based): chr12:32,841,137, G deleted on the plus strand (C on the coding strand, the reverse complement: PKP2 is on the minus strand). VCF-style (leftmost placement, unchanged base first): chr12-32841136-AG-A. GRCh37 (hg19) VCF-style: chr12-32994070-AG-A.
Other names: c.1579delC (NM_004572.3); c.1579del, p.Thr526_Leu527insTer (NM_004572.4).
Identifiers: ClinVar variation 202018 (VCV000202018.12), dbSNP rs794729126, ClinGen allele CA011187.
Genomic context (GRCh38, chr12:32,841,136, plus strand): 5'-TTTGCTTTTGGGTAGTCTCCTTCAGGCCACCCAGAAAAGGGGATGATGATATTCTCCGTC[AG>A]CGTAAGCAATGCTTCTGTTATCATGAGATTCTTGAGTTTGTCATTAGATGACAAATTCCA-3'

ClinVar aggregate classification (germline): Pathogenic. Review status: criteria provided, multiple submitters, no conflicts (2 of 4 stars). 4 submissions from 4 submitters: Pathogenic (4). Last evaluated 2025-12-02.

Conditions:
Familial isolated arrhythmogenic right ventricular dysplasia. Identifiers: Orphanet 217656, MedGen C4274968, MONDO:0016342.
Arrhythmogenic right ventricular cardiomyopathy (ARVD). Also called: Arrhythmogenic cardiomyopathy; Arrhythmogenic Right Ventricular Cardiomyopathy (ARVC); Cardiomyopathy, ARVC; Arrhythmogenic right ventricular dysplasia. Identifiers: Orphanet 247, MedGen C0349788, MeSH D019571, MONDO:0016587. Disease mechanism: loss of function. Inheritance: Various modes of inheritance.
Arrhythmogenic right ventricular dysplasia 9 (ARVD9). Also called: Arrhythmogenic Right Ventricular Dysplasia/Cardiomyopathy 9; ARRHYTHMOGENIC RIGHT VENTRICULAR DYSPLASIA, FAMILIAL, 9. Identifiers: MedGen C1836906, MONDO:0012180, OMIM 609040.

Submissions (4):

Labcorp Genetics (formerly Invitae), Labcorp
Classification: Pathogenic for Arrhythmogenic right ventricular dysplasia 9. Last evaluated: 2025-12-02. Review status: criteria provided, single submitter. Criteria: Invitae Variant Classification Sherloc (09022015). Collection method: clinical testing. Allele origin: germline.
Comment: This sequence change creates a premature translational stop signal (p.Leu527*) in the PKP2 gene. It is expected to result in an absent or disrupted protein product. Loss-of-function variants in PKP2 are known to be pathogenic (PMID: 15489853, 17041889, 23911551). This variant is not present in population databases (gnomAD no frequency). This premature translational stop signal has been observed in individual(s) with arrhythmogenic right ventricular dysplasia (PMID: 35753512). ClinVar contains an entry for this variant (Variation ID: 202018). For these reasons, this variant has been classified as Pathogenic.

GeneDx
Classification: Pathogenic. Last evaluated: 2021-09-21. Review status: criteria provided, single submitter. Criteria: GeneDx Variant Classification Process June 2021. Collection method: clinical testing. Allele origin: germline. Affected: yes.
Comment: Has not been previously published in association with PKP2-related disorders to our knowledge; Reported in ClinVar as a pathogenic variant (ClinVar Variant ID# 202018; Landrum et al., 2016); Not observed in large population cohorts (Lek et al., 2016); Nonsense variant predicted to result in protein truncation or nonsense mediated decay in a gene for which loss-of-function is a known mechanism of disease This variant is associated with the following publications: (PMID: 31638835)

National Institute of Allergy and Infectious Diseases - Centralized Sequencing Program, National Institutes of Health
Classification: Pathogenic for Arrhythmogenic right ventricular dysplasia. Last evaluated: 2021-08-06. Review status: criteria provided, single submitter. Criteria: ACMG Guidelines, 2015. Collection method: clinical testing. Allele origin: germline. Affected: yes.

Women's Health and Genetics/Laboratory Corporation of America, LabCorp
Classification: Pathogenic for Arrhythmogenic right ventricular dysplasia/cardiomyopathy. Last evaluated: 2020-07-27. Review status: criteria provided, single submitter. Criteria: LabCorp Variant Classification Summary - May 2015. Collection method: clinical testing. Allele origin: germline.
Comment: Variant summary: PKP2 c.1579delC (p.Leu527X) results in a premature termination codon, predicted to cause a truncation of the encoded protein or absence of the protein due to nonsense mediated decay, which are commonly known mechanisms for disease in PKP2 associated Arrhythmogenic Right Ventricular Dysplasia/Cardiomyopathy (ARVC). Truncations downstream of this position have been classified as pathogenic by our laboratory. The variant was absent in 251366 control chromosomes. c.1579delC has been reported in the literature in at-least one individual affected with Arrhythmogenic Right Ventricular Dysplasia/Cardiomyopathy in a WES study evaluating the prevalence, penetrance and associated phenotype of ARVC in a general clinical population cohort (Carruth_2019, 61 019 individuals in the DiscovEHR cohort). To our knowledge, no experimental evidence demonstrating an impact on protein function has been reported. One clinical diagnostic laboratory has submitted clinical-significance assessments for this variant to ClinVar after 2014 without evidence for independent evaluation and classified the variant as pathogenic. Based on the evidence outlined above, the variant was classified as pathogenic.

Literature cited by the submitters: PubMed 15489853 (cited by Labcorp Genetics (formerly Invitae), Labcorp); PubMed 17041889 (cited by Labcorp Genetics (formerly Invitae), Labcorp); PubMed 23911551 (cited by Labcorp Genetics (formerly Invitae), Labcorp); PubMed 35753512 (cited by Labcorp Genetics (formerly Invitae), Labcorp); PubMed 31638835 (cited by Women's Health and Genetics/Laboratory Corporation of America, LabCorp).